The following is an entry in ClinVar:

ClinVar aggregate classification (germline): Uncertain significance (1 of 4 stars; one submission).

Allele frequency attached by ClinVar (database versions not stated): gnomAD exomes below 0.00001.
gnomAD v4.1: 1 of 1,611,066 alleles (0.000062%); highest among the groups gnomAD compares: Non-Finnish European, 0.000085%; no homozygotes.

Submission:

Labcorp Genetics (formerly Invitae), Labcorp
Classification: Uncertain significance. Last evaluated: 2022-05-12. Review status: criteria provided, single submitter. Criteria: Invitae Variant Classification Sherloc (09022015). Collection method: clinical testing. Allele origin: germline.
Comment: This variant is not present in population databases (gnomAD no frequency). In summary, the available evidence is currently insufficient to determine the role of this variant in disease. Therefore, it has been classified as a Variant of Uncertain Significance. Experimental studies and prediction algorithms are not available or were not evaluated, and the functional significance of this variant is currently unknown. This variant has not been reported in the literature in individuals affected with MAP3K20-related conditions. This sequence change replaces glutamic acid, which is acidic and polar, with alanine, which is neutral and non-polar, at codon 100 of the MAP3K20 protein (p.Glu100Ala).

NM_016653.3(MAP3K20):c.299A>C (p.Glu100Ala)

Gene: MAP3K20 (mitogen-activated protein kinase kinase kinase 20; plus strand). Cytogenetic location: 2q31.1.
Variant type: single nucleotide variant.
Coding change: c.299A>C on transcript NM_016653.3 (MANE Select); coding-DNA position 299, A replaced by C.
Protein change: p.Glu100Ala; replaces glutamic acid 100 with alanine.
Molecular consequence: missense variant.
Genome position (GRCh38, 1-based): chr2:173,182,905, A>C. VCF-style: chr2-173182905-A-C. GRCh37 (hg19) VCF-style: chr2-174047633-A-C.
Other names: c.299A>C, p.Glu100Ala (NM_133646.3); short protein forms E100A.
Identifiers: ClinVar variation 2133244 (VCV002133244.4), dbSNP rs2468134530, ClinGen allele CA349312706.